The following is an entry in ClinVar:

NM_005321.3(H1-4):c.65_66insT (p.Lys22fs)

Gene: H1-4 (H1.4 linker histone, cluster member; plus strand). Cytogenetic location: 6p22.2.
Variant type: Insertion.
Coding change: c.65_66insT on transcript NM_005321.3 (MANE Select); coding-DNA positions 65 to 66, T inserted.
Protein change: p.Lys22fs; shifts the reading frame from lysine 22.
Molecular consequence: frameshift variant.
Genome position: GRCh38 VCF-style: chr6-26156455-A-AT. GRCh37 (hg19) VCF-style: chr6-26156683-A-AT.
Other names: short protein forms K22fs.
Identifiers: ClinVar variation 3766333 (VCV003766333.1).

ClinVar aggregate classification (germline): Uncertain significance (1 of 4 stars; one submission).

Submission:

GeneDx
Classification: Uncertain significance. Last evaluated: 2024-08-28. Review status: criteria provided, single submitter. Criteria: GeneDx Variant Classification Process June 2021. Collection method: clinical testing. Allele origin: germline. Affected: yes.
Comment: Frameshift variant predicted to result in abnormal protein length as the last 198 amino acids are replaced with 24 different amino acids; Not observed at significant frequency in large population cohorts (gnomAD); Has not been previously published as pathogenic or benign to our knowledge